The following is an entry in ClinVar:

ClinVar aggregate classification (germline): Uncertain significance (1 of 4 stars; one submission).

Conditions:
Progressive myoclonic epilepsy. Also called: Myoclonus epilepsy; Progressive myoclonus epilepsy; Familial progressive myoclonic epilepsy; Myoclonic Epilepsies, Progressive. Identifiers: Orphanet 308, Orphanet 98261, MedGen C0751778, MONDO:0020074.

Allele frequency attached by ClinVar (database versions not stated): gnomAD exomes below 0.00001 and 0.00001; ExAC 0.00001.

Submission:

Labcorp Genetics (formerly Invitae), Labcorp
Classification: Uncertain significance for Progressive myoclonic epilepsy. Last evaluated: 2022-03-06. Review status: criteria provided, single submitter. Criteria: Invitae Variant Classification Sherloc (09022015). Collection method: clinical testing. Allele origin: germline.
Comment: Algorithms developed to predict the effect of missense changes on protein structure and function are either unavailable or do not agree on the potential impact of this missense change (SIFT: "Tolerated"; PolyPhen-2: "Possibly Damaging"; Align-GVGD: "Class C0"). In summary, the available evidence is currently insufficient to determine the role of this variant in disease. Therefore, it has been classified as a Variant of Uncertain Significance. This variant has not been reported in the literature in individuals affected with SCARB2-related conditions. This variant is present in population databases (rs756489019, gnomAD 0.0009%). This sequence change replaces histidine, which is basic and polar, with tyrosine, which is neutral and polar, at codon 171 of the SCARB2 protein (p.His171Tyr).

NM_005506.4(SCARB2):c.511C>T (p.His171Tyr)

Gene: SCARB2 (scavenger receptor class B member 2; minus strand). Cytogenetic location: 4q21.1.
Variant type: single nucleotide variant.
Coding change: c.511C>T on transcript NM_005506.4 (MANE Select); coding-DNA position 511, C replaced by T.
Protein change: p.His171Tyr; replaces histidine 171 with tyrosine.
Molecular consequence: missense variant. On other transcripts: intron variant (1).
Genome position (GRCh38, 1-based): chr4:76,179,618, G>A on the plus strand (C>T on the coding strand, the complement: SCARB2 is on the minus strand). VCF-style: chr4-76179618-G-A. GRCh37 (hg19) VCF-style: chr4-77100771-G-A.
Other names: c.276-3708C>T (NM_001204255.2); short protein forms H171Y.
Identifiers: ClinVar variation 1362420 (VCV001362420.9), dbSNP rs756489019, ClinGen allele CA2970319.